The following is an entry in ClinVar:

NM_001128228.3(TPRN):c.982C>T (p.Arg328Ter)

Gene: TPRN (taperin; minus strand). Cytogenetic location: 9q34.3.
Variant type: single nucleotide variant.
Coding change: c.982C>T on transcript NM_001128228.3 (MANE Select); coding-DNA position 982, C replaced by T.
Protein change: p.Arg328Ter; replaces arginine 328 with a stop codon.
Molecular consequence: nonsense.
Genome position (GRCh38, 1-based): chr9:137,199,730, G>A on the plus strand (C>T on the coding strand, the complement: TPRN is on the minus strand). VCF-style: chr9-137199730-G-A. GRCh37 (hg19) VCF-style: chr9-140094182-G-A.
Other names: short protein forms R328*.
Identifiers: ClinVar variation 1925948 (VCV001925948.5), dbSNP rs745624228, ClinGen allele CA5362838.

ClinVar aggregate classification (germline): Pathogenic (1 of 4 stars; one submission).

gnomAD v4.1: 35 of 1,611,996 alleles (0.0022%); highest among the groups gnomAD compares: Non-Finnish European, 0.0028%; no homozygotes.

Submission:

Labcorp Genetics (formerly Invitae), Labcorp
Classification: Pathogenic. Last evaluated: 2022-04-30. Review status: criteria provided, single submitter. Criteria: Invitae Variant Classification Sherloc (09022015). Collection method: clinical testing. Allele origin: germline.
Comment: This variant has not been reported in the literature in individuals affected with TPRN-related conditions. For these reasons, this variant has been classified as Pathogenic. This variant is present in population databases (rs745624228, gnomAD 0.007%). This sequence change creates a premature translational stop signal (p.Arg328*) in the TPRN gene. It is expected to result in an absent or disrupted protein product. Loss-of-function variants in TPRN are known to be pathogenic (PMID: 20170898, 20170899).

Literature cited by the submitters: PubMed 20170898; PubMed 20170899.